The following is an entry in ClinVar:

ClinVar aggregate classification (germline): Pathogenic. Review status: criteria provided, multiple submitters, no conflicts (2 of 4 stars). 3 submissions from 3 submitters: Pathogenic (2). 1 of the submissions does not count toward it. Last evaluated 2024-05-07.

Conditions:
GRN-related frontotemporal lobar degeneration with Tdp43 inclusions (FTD2). Also called: GRN Frontotemporal Dementia; FRONTOTEMPORAL DEMENTIA WITH TDP43 INCLUSIONS, GRN-RELATED; DEMENTIA, HEREDITARY DYSPHASIC DISINHIBITION; FRONTOTEMPORAL LOBAR DEGENERATION WITH UBIQUITIN-POSITIVE INCLUSIONS; FTLD-TDP, GRN-RELATED. Identifiers: Orphanet 100070, Orphanet 282, MedGen C1843792, MONDO:0011842, OMIM 607485. Disease mechanism: loss of function.

Submissions (4):

GeneDx
Classification: Pathogenic. Last evaluated: 2024-05-07. Review status: criteria provided, single submitter. Criteria: GeneDx Variant Classification Process June 2021. Collection method: clinical testing. Allele origin: germline. Affected: yes.
Comment: Published functional studies demonstrate this variant increases cell cycle activity and increases cellular and secreted levels of Wnt5A when compared to controls (PMID: 21232819, 24139281); Identified in multiple individuals from unrelated families with frontotemporal lobar degeneration (PMID: 20711061, 21232819); Canonical splice site variant predicted to result in a null allele in a gene for which loss of function is a known mechanism of disease; Not observed at significant frequency in large population cohorts (gnomAD); This variant is associated with the following publications: (PMID: 23158232, 23218900, 22623979, 25525159, 19858458, 28594853, 26624524, 30369339, 33980708, 21232819, 24139281, 17950702, 20711061)

MGZ Medical Genetics Center
Classification: Pathogenic for GRN-related frontotemporal lobar degeneration with Tdp43 inclusions. Last evaluated: 2022-03-23. Review status: criteria provided, single submitter. Criteria: ACMG Guidelines, 2015. Collection method: clinical testing. Allele origin: germline. Affected: yes. Observed: 1 variant allele.
Comment: ACMG criteria applied: PVS1, PS4_MOD, PM2_SUP

OMIM
Classification: Pathogenic for FRONTOTEMPORAL DEMENTIA 2. Last evaluated: 2009-10-27. Review status: no assertion criteria provided. Collection method: literature only. Allele origin: germline. Not counted in ClinVar's aggregate classification.

Dr. Peter K. Rogan Lab, Western University
No classification provided (evidence only). Condition: Melanoma. Review status: no classification provided. Collection method: in vitro. Allele origin: not applicable. Functional consequence: retained intron. Not counted in ClinVar's aggregate classification.

Literature cited by the submitters: PubMed 19858458 (cited by OMIM).

NM_002087.4(GRN):c.709-1G>A

Genes: GRN (granulin precursor; plus strand), LOC125177489 (Sharpr-MPRA regulatory region 15390; plus strand). Cytogenetic location: 17q21.31.
Variant type: single nucleotide variant.
Coding change: c.709-1G>A on transcript NM_002087.4 (MANE Select); the canonical splice acceptor site of the intron before coding-DNA position 709, G replaced by A.
Molecular consequence: splice acceptor variant.
Genome position (GRCh38, 1-based): chr17:44,351,036, G>A. VCF-style: chr17-44351036-G-A. GRCh37 (hg19) VCF-style: chr17-42428404-G-A.
Other names: NC_000017.10:g.42428404G>A; IVS6AS, G-A, -1.
Identifiers: ClinVar variation 29743 (VCV000029743.6), dbSNP rs2143337085, ClinGen allele CA399764525.